The following is an entry in ClinVar:

NM_014975.3(MAST1):c.3239C>G (p.Pro1080Arg)

Gene: MAST1 (microtubule associated serine/threonine kinase 1; plus strand). Cytogenetic location: 19p13.13.
Variant type: single nucleotide variant.
Coding change: c.3239C>G on transcript NM_014975.3 (MANE Select); coding-DNA position 3239, C replaced by G.
Protein change: p.Pro1080Arg; replaces proline 1080 with arginine.
Molecular consequence: missense variant.
Genome position (GRCh38, 1-based): chr19:12,871,148, C>G. VCF-style: chr19-12871148-C-G. GRCh37 (hg19) VCF-style: chr19-12981962-C-G.
Other names: short protein forms P1080R.
Identifiers: ClinVar variation 4886157 (VCV004886157.2).

ClinVar aggregate classification (germline): Uncertain significance (1 of 4 stars; one submission).

Submission:

Dasa
Classification: Uncertain significance. Last evaluated: 2026-03-14. Review status: criteria provided, single submitter. Criteria: DASA Assertion Criteria. Collection method: clinical testing. Allele origin: germline.
Comment: NM_014975.3(MAST1):c.3239C>G (p.Pro1080Arg) is a missense variant that results in the substitution of proline with arginine. This variant is rare in population databases. Computational prediction algorithms are consistent with a benign effect. The currently available literature and clinical evidence are not sufficient to establish a definitive association between this variant and the reported condition. Therefore, this variant is classified as a variant of uncertain significance.